The following is an entry in ClinVar:

ClinVar aggregate classification (germline): Uncertain significance (1 of 4 stars; one submission).

gnomAD v4.1: 4 of 1,613,338 alleles (0.00025%); highest among the groups gnomAD compares: Non-Finnish European, 0.00034%; no homozygotes.

Submission:

Labcorp Genetics (formerly Invitae), Labcorp
Classification: Uncertain significance. Last evaluated: 2024-04-05. Review status: criteria provided, single submitter. Criteria: Invitae Variant Classification Sherloc (09022015). Collection method: clinical testing. Allele origin: germline.
Comment: This sequence change falls in intron 8 of the IRF9 gene. It does not directly change the encoded amino acid sequence of the IRF9 protein. It affects a nucleotide within the consensus splice site. The frequency data for this variant in the population databases is considered unreliable, as metrics indicate poor data quality at this position in the gnomAD database. This variant has not been reported in the literature in individuals affected with IRF9-related conditions. Variants that disrupt the consensus splice site are a relatively common cause of aberrant splicing (PMID: 17576681, 9536098). Algorithms developed to predict the effect of sequence changes on RNA splicing suggest that this variant may disrupt the consensus splice site. In summary, the available evidence is currently insufficient to determine the role of this variant in disease. Therefore, it has been classified as a Variant of Uncertain Significance.

Literature cited by the submitters: PubMed 17576681; PubMed 9536098.

NM_006084.5(IRF9):c.1108-3C>G

Gene: IRF9 (interferon regulatory factor 9; plus strand). Cytogenetic location: 14q12.
Variant type: single nucleotide variant.
Coding change: c.1108-3C>G on transcript NM_006084.5 (MANE Select); 3 bases into the intron before coding-DNA position 1108, C replaced by G.
Molecular consequence: intron variant.
Genome position (GRCh38, 1-based): chr14:24,166,119, C>G. VCF-style: chr14-24166119-C-G. GRCh37 (hg19) VCF-style: chr14-24635328-C-G.
Other names: c.1262-3C>G (NM_001385400.1); c.1135-3C>G (NM_001385401.1); c.845-3C>G (NM_001385402.1).
Identifiers: ClinVar variation 3648911 (VCV003648911.2).
Genomic context (GRCh38, chr14:24,166,119, plus strand): 5'-TGGGGGTGGTGTCTGTCCCTGATGCACGCACTGAGATGCTCTTCTCCATCTCTTCCAATA[C>G]AGATGGAGCAGGCCTTTGCCCGATACTTGCTGGAGCAGACTCCAGAGCAGCAGGCAGCCA-3'